The following is an entry in ClinVar:

ClinVar aggregate classification (germline): Uncertain significance. Review status: criteria provided, single submitter (1 of 4 stars). 2 submissions from 2 submitters: Uncertain significance (1). 1 of the submissions does not count toward it. Last evaluated 2019-10-17.

Conditions:
Histiocytoid cardiomyopathy. Also called: FOAMY MYOCARDIAL TRANSFORMATION OF INFANCY. Identifiers: Orphanet 137675, MedGen C1708371, MONDO:0010771, OMIM 500000, HP:0005152.
Leigh syndrome (NULS). Also called: Leigh Disease; LEIGH SYNDROME, NUCLEAR; Leigh Syndrome (mtDNA deletion); Leigh's necrotizing encephalopathy; Leigh's disease; Leigh's syndrome. Identifiers: Orphanet 506, MedGen C2931891, MONDO:0009723, OMIM 256000.

Submissions (2):

Wong Mito Lab, Molecular and Human Genetics, Baylor College of Medicine
Classification: Uncertain significance for Leigh syndrome. Last evaluated: 2019-10-17. Review status: criteria provided, single submitter. Criteria: Modified ACMG Guidelines (Unpublished). Collection method: clinical testing. Allele origin: germline.
Comment: The NC_012920.1:m.15498G>A (YP_003024038.1:p.Gly251Asp) variant in MTCYB gene is interpretated to be a Uncertain Significance variant based on the modified ACMG guidelines (unpublished). This variant meets the following evidence codes: PM10, PP4, PP6, BS1, BP5

OMIM
Classification: Pathogenic for CARDIOMYOPATHY, INFANTILE HISTIOCYTOID. Last evaluated: 2000-09-01. Review status: no assertion criteria provided. Collection method: literature only. Allele origin: germline. Not counted in ClinVar's aggregate classification.

Literature cited by the submitters: PubMed 10960495 (cited by Wong Mito Lab, Molecular and Human Genetics, Baylor College of Medicine and OMIM).

NC_012920.1(MT-CYB):m.15498G>A

Gene: MT-CYB (mitochondrially encoded cytochrome b; plus strand).
Variant type: single nucleotide variant.
Genome position: chrM-15498-G-A.
Other names: MTCYB, 15498G-A, GLY251ASP; G251D.
Identifiers: ClinVar variation 9684 (VCV000009684.2), dbSNP rs207460003, ClinGen allele CA120622.